The following is an entry in ClinVar:

NM_015425.6(POLR1A):c.3173C>G (p.Ser1058Cys)

Gene: POLR1A (RNA polymerase I subunit A; minus strand). Cytogenetic location: 2p11.2.
Variant type: single nucleotide variant.
Coding change: c.3173C>G on transcript NM_015425.6 (MANE Select); coding-DNA position 3173, C replaced by G.
Protein change: p.Ser1058Cys; replaces serine 1058 with cysteine.
Molecular consequence: missense variant.
Genome position (GRCh38, 1-based): chr2:86,043,158, G>C on the plus strand (C>G on the coding strand, the complement: POLR1A is on the minus strand). VCF-style: chr2-86043158-G-C. GRCh37 (hg19) VCF-style: chr2-86270281-G-C.
Other names: short protein forms S1058C.
Identifiers: ClinVar variation 2140090 (VCV002140090.3), dbSNP rs1458233132, ClinGen allele CA347537963.

ClinVar aggregate classification (germline): Uncertain significance (1 of 4 stars; one submission).

Allele frequency attached by ClinVar (database versions not stated): gnomAD exomes below 0.00001; TOPMed below 0.00001.
gnomAD v4.1: 1 of 1,613,910 alleles (0.000062%); highest among the groups gnomAD compares: Admixed American, 0.0017%; no homozygotes.

Submission:

Labcorp Genetics (formerly Invitae), Labcorp
Classification: Uncertain significance. Last evaluated: 2023-05-23. Review status: criteria provided, single submitter. Criteria: Invitae Variant Classification Sherloc (09022015). Collection method: clinical testing. Allele origin: germline.
Comment: In summary, the available evidence is currently insufficient to determine the role of this variant in disease. Therefore, it has been classified as a Variant of Uncertain Significance. Advanced modeling of protein sequence and biophysical properties (such as structural, functional, and spatial information, amino acid conservation, physicochemical variation, residue mobility, and thermodynamic stability) has been performed at Invitae for this missense variant, however the output from this modeling did not meet the statistical confidence thresholds required to predict the impact of this variant on POLR1A protein function. ClinVar contains an entry for this variant (Variation ID: 2140090). This variant has not been reported in the literature in individuals affected with POLR1A-related conditions. This variant is present in population databases (no rsID available, gnomAD no frequency). This sequence change replaces serine, which is neutral and polar, with cysteine, which is neutral and slightly polar, at codon 1058 of the POLR1A protein (p.Ser1058Cys).